The following is an entry in ClinVar:

NM_001371986.1(UNC80):c.1237C>T (p.Leu413Phe)

Gene: UNC80 (unc-80 homolog, NALCN channel complex subunit; plus strand). Cytogenetic location: 2q34.
Variant type: single nucleotide variant.
Coding change: c.1237C>T on transcript NM_001371986.1 (MANE Select); coding-DNA position 1237, C replaced by T.
Protein change: p.Leu413Phe; replaces leucine 413 with phenylalanine.
Molecular consequence: missense variant.
Genome position (GRCh38, 1-based): chr2:209,815,293, C>T. VCF-style: chr2-209815293-C-T. GRCh37 (hg19) VCF-style: chr2-210680017-C-T.
Other names: c.1237C>T, p.Leu413Phe (NM_032504.2, NM_182587.4); short protein forms L413F.
Identifiers: ClinVar variation 1516500 (VCV001516500.4), dbSNP rs2153827421, ClinGen allele CA350134155.
Genomic context (GRCh38, chr2:209,815,293, plus strand): 5'-TGATCACTGTCTACCTTTATTAAGGATCTCACCATGAAGTGTAACGAGGAGGAAAAATCT[C>T]TTAGCTCTGAGGCCTTTTCCAAGGTTTCACTGACCAATCTGCGTAGATCTGCAGTCCCAG-3'
Protein context (NP_001358915.1, residues 403-423): TMKCNEEEKS[Leu413Phe]SSEAFSKVSL

ClinVar aggregate classification (germline): Uncertain significance (1 of 4 stars; one submission).

Submission:

Labcorp Genetics (formerly Invitae), Labcorp
Classification: Uncertain significance. Last evaluated: 2021-09-04. Review status: criteria provided, single submitter. Criteria: Invitae Variant Classification Sherloc (09022015). Collection method: clinical testing. Allele origin: germline.
Comment: In summary, the available evidence is currently insufficient to determine the role of this variant in disease. Therefore, it has been classified as a Variant of Uncertain Significance. Algorithms developed to predict the effect of missense changes on protein structure and function are either unavailable or do not agree on the potential impact of this missense change (SIFT: "Not Available"; PolyPhen-2: "Probably Damaging"; Align-GVGD: "Not Available"). This variant has not been reported in the literature in individuals affected with UNC80-related conditions. This variant is not present in population databases (ExAC no frequency). This sequence change replaces leucine with phenylalanine at codon 413 of the UNC80 protein (p.Leu413Phe). The leucine residue is weakly conserved and there is a small physicochemical difference between leucine and phenylalanine.